The following is an entry in ClinVar:

NM_004415.4(DSP):c.5377G>C (p.Glu1793Gln)

Gene: DSP (desmoplakin; plus strand). Cytogenetic location: 6p24.3.
Variant type: single nucleotide variant.
Coding change: c.5377G>C on transcript NM_004415.4 (MANE Select); coding-DNA position 5377, G replaced by C.
Protein change: p.Glu1793Gln; replaces glutamic acid 1793 with glutamine.
Molecular consequence: missense variant. On other transcripts: intron variant (2).
Genome position (GRCh38, 1-based): chr6:7,581,567, G>C. VCF-style: chr6-7581567-G-C. GRCh37 (hg19) VCF-style: chr6-7581800-G-C.
Other names: c.4051-1075G>C (NM_001319034.2); c.3583-1075G>C (NM_001008844.3); short protein forms E1793Q.
Identifiers: ClinVar variation 3750285 (VCV003750285.3).

ClinVar aggregate classification (germline): Uncertain significance. Review status: criteria provided, multiple submitters, no conflicts (2 of 4 stars). 2 submissions from 2 submitters: Uncertain significance (2). Last evaluated 2026-01-22.

Conditions:
Arrhythmogenic cardiomyopathy with wooly hair and keratoderma. Also called: PALMOPLANTAR KERATODERMA WITH LEFT VENTRICULAR CARDIOMYOPATHY AND WOOLLY HAIR; Dilated cardiomyopathy with woolly hair and keratoderma; Carvajal syndrome; Arrhythmogenic cardiomyopathy with woolly hair and keratoderma. Identifiers: Orphanet 65282, MedGen C1854063, MONDO:0011581, OMIM 605676.
Arrhythmogenic right ventricular dysplasia 8 (ARVD8). Also called: Arrhythmogenic Right Ventricular Dysplasia/Cardiomyopathy 8; ARRHYTHMOGENIC RIGHT VENTRICULAR DYSPLASIA, FAMILIAL, 8; ARRHYTHMOGENIC RIGHT VENTRICULAR CARDIOMYOPATHY 8. Identifiers: MedGen C1843896, MONDO:0011831, OMIM 607450.

Submissions (2):

GeneDx
Classification: Uncertain significance. Last evaluated: 2026-01-22. Review status: criteria provided, single submitter. Criteria: GeneDx Variant Classification Process June 2021. Collection method: clinical testing. Allele origin: germline.
Comment: Not observed at significant frequency in large population cohorts (gnomAD); In silico analysis suggests that this missense variant does not alter protein structure/function; Has not been previously published as pathogenic or benign to our knowledge

Labcorp Genetics (formerly Invitae), Labcorp
Classification: Uncertain significance for Arrhythmogenic cardiomyopathy with wooly hair and keratoderma; Arrhythmogenic right ventricular dysplasia 8. Last evaluated: 2024-06-26. Review status: criteria provided, single submitter. Criteria: Invitae Variant Classification Sherloc (09022015). Collection method: clinical testing. Allele origin: germline.
Comment: This sequence change replaces glutamic acid, which is acidic and polar, with glutamine, which is neutral and polar, at codon 1793 of the DSP protein (p.Glu1793Gln). This variant is not present in population databases (gnomAD no frequency). This variant has not been reported in the literature in individuals affected with DSP-related conditions. An algorithm developed to predict the effect of missense changes on protein structure and function (PolyPhen-2) suggests that this variant is likely to be disruptive. In summary, the available evidence is currently insufficient to determine the role of this variant in disease. Therefore, it has been classified as a Variant of Uncertain Significance.